The following is an entry in ClinVar:

ClinVar aggregate classification (germline): Uncertain significance. Review status: criteria provided, multiple submitters, no conflicts (2 of 4 stars). 5 submissions from 5 submitters: Uncertain significance (2). 3 of the submissions do not count toward it. Last evaluated 2024-05-11.

Conditions:
Long QT syndrome (LQTS). Identifiers: MedGen C0023976, MeSH D008133, MONDO:0002442. Disease mechanism: loss of function. Inheritance: Various modes of inheritance.
Cardiovascular phenotype. Identifiers: MedGen CN230736.
Intellectual disability. Also called: Intellectual functioning disability; Intellectual developmental disorder; intellectual disabilities. Identifiers: MedGen C3714756, MeSH D008607, MONDO:0001071, HP:0001249.

Allele frequency attached by ClinVar (database versions not stated): gnomAD 0.00001; TOPMed 0.00001.
gnomAD v4.1: 59 of 1,613,914 alleles (0.0037%); highest among the groups gnomAD compares: Non-Finnish European, 0.0045%; no homozygotes.

Submissions (5):

Ambry Genetics
Classification: Uncertain significance for Cardiovascular phenotype. Last evaluated: 2024-05-11. Review status: criteria provided, single submitter. Criteria: Ambry Variant Classification Scheme 2023. Collection method: clinical testing. Allele origin: germline.
Comment: The p.D3275N variant (also known as c.9823G>A), located in coding exon 38 of the ANK2 gene, results from a G to A substitution at nucleotide position 9823. The aspartic acid at codon 3275 is replaced by asparagine, an amino acid with highly similar properties. This amino acid position is conserved. In addition, the in silico prediction for this alteration is inconclusive. Based on the available evidence, the clinical significance of this variant remains unclear.

Labcorp Genetics (formerly Invitae), Labcorp
Classification: Uncertain significance for Long QT syndrome. Last evaluated: 2019-06-05. Review status: criteria provided, single submitter. Criteria: Invitae Variant Classification Sherloc (09022015). Collection method: clinical testing. Allele origin: germline.
Comment: This sequence change replaces aspartic acid with asparagine at codon 3275 of the ANK2 protein (p.Asp3275Asn). The aspartic acid residue is moderately conserved and there is a small physicochemical difference between aspartic acid and asparagine. This variant is not present in population databases (ExAC no frequency). In summary, the available evidence is currently insufficient to determine the role of this variant in disease. Therefore, it has been classified as a Variant of Uncertain Significance. Algorithms developed to predict the effect of missense changes on protein structure and function are either unavailable or do not agree on the potential impact of this missense change (SIFT: "Tolerated"; PolyPhen-2: "Probably Damaging"; Align-GVGD: "Class C0"). This variant has not been reported in the literature in individuals with ANK2-related conditions.

Centre de Biologie Pathologie Génétique, Centre Hospitalier Universitaire de Lille
Classification: Likely benign for Intellectual disability. Last evaluated: 2019-01-01. Review status: no assertion criteria provided. Collection method: clinical testing. Allele origin: inherited. Affected: yes. Not counted in ClinVar's aggregate classification.

Clinical Genetics, Academic Medical Center
Classification: Uncertain significance. Review status: no assertion criteria provided. Collection method: clinical testing. Allele origin: germline. Affected: yes. Study: VKGL Data-share Consensus. Not counted in ClinVar's aggregate classification.

Joint Genome Diagnostic Labs from Nijmegen and Maastricht, Radboudumc and MUMC+
Classification: Uncertain significance. Review status: no assertion criteria provided. Collection method: clinical testing. Allele origin: germline. Affected: yes. Study: VKGL Data-share Consensus. Not counted in ClinVar's aggregate classification.

NM_001148.6(ANK2):c.9823G>A (p.Asp3275Asn)

Gene: ANK2 (ankyrin 2; plus strand). Cytogenetic location: 4q26.
Variant type: single nucleotide variant.
Coding change: c.9823G>A on transcript NM_001148.6 (MANE Select); coding-DNA position 9823, G replaced by A.
Protein change: p.Asp3275Asn; replaces aspartic acid 3275 with asparagine.
Molecular consequence: missense variant. On other transcripts: intron variant (68).
Genome position (GRCh38, 1-based): chr4:113,358,441, G>A. VCF-style: chr4-113358441-G-A. GRCh37 (hg19) VCF-style: chr4-114279597-G-A.
Other names: c.9589G>A, p.Asp3197Asn (NM_001386142.1); c.6223G>A, p.Asp2075Asn (NM_001386166.1); c.9964G>A, p.Asp3322Asn (NM_001386174.1); c.9940G>A, p.Asp3314Asn (NM_001386175.1); c.4412-2382G>A (NM_001386186.2, NM_001386148.2); c.4214-2382G>A (NM_001354269.3); c.4292-2382G>A (NM_001386187.2); c.4253-2382G>A (NM_001386147.1); and 35 more; short protein forms D3275N, D2075N, D3197N, D3314N, D3322N.
Identifiers: ClinVar variation 949253 (VCV000949253.13), dbSNP rs1334864660, ClinGen allele CA357939082.